The following is an entry in ClinVar:

NM_001127511.3(APC):c.-144T>A

Gene: APC (APC regulator of Wnt signaling pathway; plus strand). Cytogenetic location: 5q22.2.
Variant type: single nucleotide variant.
Coding change: c.-144T>A on transcript NM_001127511.3; 144 bases upstream of the start codon, T replaced by A.
Molecular consequence: 5 prime UTR variant. On other transcripts: non-coding transcript variant (2).
Genome position (GRCh38, 1-based): chr5:112,707,574, T>A. VCF-style: chr5-112707574-T-A. GRCh37 (hg19) VCF-style: chr5-112043271-T-A.
Other names: c.-327T>A (NM_001354895.2, NM_001407447.1, NM_001407452.1 and 3 more transcripts); c.-144T>A (NM_001354897.2, NM_001354902.2, NM_001407446.1); c.-94T>A (NM_001407448.1, NM_001407450.1, NM_001407457.1 and 1 more transcripts); c.-118T>A (NM_001407453.1); c.-1362T>A (NM_001407470.1, NM_001407472.1).
Identifiers: ClinVar variation 2833080 (VCV002833080.3), dbSNP rs1717358972, ClinGen allele CA2739274983.

ClinVar aggregate classification (germline): Uncertain significance (1 of 4 stars; one submission).

Conditions:
Familial adenomatous polyposis 1 (FAP1). Also called: FAMILIAL ADENOMATOUS POLYPOSIS 1, ATTENUATED; POLYPOSIS, ADENOMATOUS INTESTINAL. Identifiers: MedGen C2713442, MONDO:0021056, OMIM 175100. Disease mechanism: loss of function.

Submission:

Labcorp Genetics (formerly Invitae), Labcorp
Classification: Uncertain significance for Familial adenomatous polyposis 1. Last evaluated: 2023-01-31. Review status: criteria provided, single submitter. Criteria: Invitae Variant Classification Sherloc (09022015). Collection method: clinical testing. Allele origin: germline.
Comment: Experimental studies and prediction algorithms are not available or were not evaluated, and the functional significance of this variant is currently unknown. In summary, the available evidence is currently insufficient to determine the role of this variant in disease. Therefore, it has been classified as a Variant of Uncertain Significance. This variant has not been reported in the literature in individuals affected with APC-related conditions. This variant is not present in population databases (gnomAD no frequency). This variant occurs in a non-coding region of the APC gene. It does not change the encoded amino acid sequence of the APC protein.